The following is an entry in ClinVar:

NM_000059.4(BRCA2):c.987G>T (p.Arg329Ser)

Gene: BRCA2 (BRCA2 DNA repair associated; plus strand). Cytogenetic location: 13q13.1.
Variant type: single nucleotide variant.
Coding change: c.987G>T on transcript NM_000059.4 (MANE Select); coding-DNA position 987, G replaced by T.
Protein change: p.Arg329Ser; replaces arginine 329 with serine.
Molecular consequence: missense variant. On other transcripts: non-coding transcript variant (1), intron variant (1).
Genome position (GRCh38, 1-based): chr13:32,332,465, G>T. VCF-style: chr13-32332465-G-T. GRCh37 (hg19) VCF-style: chr13-32906602-G-T.
Other names: c.987G>T, p.Arg329Ser (NM_001406719.1, NM_001406720.1, NM_001406721.1); c.424+1435G>T (NM_001406722.1); short protein forms R329S.
Identifiers: ClinVar variation 2764936 (VCV002764936.4), dbSNP rs561002197, ClinGen allele CA387760976.
Genomic context (GRCh38, chr13:32,332,465, plus strand): 5'-ATTATGTTTTTCTAAATGTAGAACAAAAAATCTACAAAAAGTAAGAACTAGCAAGACTAG[G>T]AAAAAAATTTTCCATGAAGCAAACGCTGATGAATGTGAAAAATCTAAAAACCAAGTGAAA-3'
Protein context (NP_000050.3, residues 319-339): NLQKVRTSKT[Arg329Ser]KKIFHEANAD

ClinVar aggregate classification (germline): Uncertain significance. Review status: criteria provided, multiple submitters, no conflicts (2 of 4 stars). 2 submissions from 2 submitters: Uncertain significance (2). Last evaluated 2026-04-17.

Conditions:
Hereditary breast ovarian cancer syndrome. Also called: BRCA1- and BRCA2-Associated Hereditary Breast and Ovarian Cancer; Hereditary breast and ovarian cancer syndrome; Breast and ovarian cancer; Hereditary breast and/or ovarian cancer syndrome; Hereditary breast and ovarian cancer syndrome (HBOC); Hereditary breast and ovarian cancer. Identifiers: Orphanet 145, MedGen C0677776, MeSH D061325, MONDO:0003582. Disease mechanism: loss of function.
Hereditary cancer-predisposing syndrome. Also called: Tumor predisposition; Hereditary neoplastic syndrome; Neoplastic Syndromes, Hereditary; Hereditary Cancer Syndrome. Identifiers: Orphanet 140162, MedGen C0027672, MeSH D009386, MONDO:0015356.

Submissions (2):

Ambry Genetics
Classification: Uncertain significance for Hereditary cancer-predisposing syndrome. Last evaluated: 2026-04-17. Review status: criteria provided, single submitter. Criteria: Ambry Variant Classification Scheme 2023. Collection method: clinical testing. Allele origin: germline.
Comment: The p.R329S variant (also known as c.987G>T), located in coding exon 9 of the BRCA2 gene, results from a G to T substitution at nucleotide position 987. The arginine at codon 329 is replaced by serine, an amino acid with dissimilar properties. This amino acid position is well conserved in available vertebrate species. In addition, this alteration is predicted to be tolerated by in silico analysis. Based on the available evidence, the clinical significance of this variant remains unclear.

Labcorp Genetics (formerly Invitae), Labcorp
Classification: Uncertain significance for Hereditary breast ovarian cancer syndrome. Last evaluated: 2023-10-03. Review status: criteria provided, single submitter. Criteria: Invitae Variant Classification Sherloc (09022015). Collection method: clinical testing. Allele origin: germline.
Comment: This sequence change replaces arginine, which is basic and polar, with serine, which is neutral and polar, at codon 329 of the BRCA2 protein (p.Arg329Ser). This variant is not present in population databases (gnomAD no frequency). This variant has not been reported in the literature in individuals affected with BRCA2-related conditions. Advanced modeling of protein sequence and biophysical properties (such as structural, functional, and spatial information, amino acid conservation, physicochemical variation, residue mobility, and thermodynamic stability) performed at Invitae indicates that this missense variant is not expected to disrupt BRCA2 protein function. In summary, the available evidence is currently insufficient to determine the role of this variant in disease. Therefore, it has been classified as a Variant of Uncertain Significance.